The following is an entry in ClinVar:

ClinVar aggregate classification (germline): Uncertain significance. Review status: criteria provided, multiple submitters, no conflicts (2 of 4 stars). 3 submissions from 3 submitters: Uncertain significance (3). Last evaluated 2025-06-17.

Conditions:
Hereditary cancer-predisposing syndrome. Also called: Hereditary Cancer Syndrome; Tumor predisposition; Neoplastic Syndromes, Hereditary; Hereditary neoplastic syndrome. Identifiers: Orphanet 140162, MedGen C0027672, MeSH D009386, MONDO:0015356.
Hereditary pheochromocytoma and paraganglioma. Also called: Hereditary paragangliomas and pheochromocytomas; Hereditary Paraganglioma-Pheochromocytoma Syndromes; Hereditary pheochromocytoma-paraganglioma. Identifiers: Orphanet 29072, MedGen C4274332, MONDO:0017366.
Pheochromocytoma. Also called: MAX-Related Hereditary Paraganglioma-Pheochromocytoma Syndrome. Identifiers: Orphanet 29072, MedGen C0031511, MONDO:0008233, OMIM 171300, HP:0002666.
Pheochromocytoma/paraganglioma syndrome 4. Also called: PARAGANGLIOMA, FAMILIAL MALIGNANT; PARAGANGLIOMAS, HEREDITARY EXTRAADRENAL; PHEOCHROMOCYTOMA, FAMILIAL EXTRAADRENAL; SDHB-Related Hereditary Paraganglioma-Pheochromocytoma Syndrome (Paragangliomas 4); CAROTID BODY TUMORS AND MULTIPLE EXTRAADRENAL PHEOCHROMOCYTOMAS; SDHB-Related Hereditary Paraganglioma-Pheochromocytoma Syndrome. Identifiers: Orphanet 29072, MedGen C1861848, MONDO:0007273, OMIM 115310.
Gastrointestinal stromal tumor. Also called: Gastrointestinal stromal tumor, somatic; Gastrointestinal stroma tumor. Identifiers: Orphanet 44890, MedGen C0238198, MeSH D046152, MONDO:0011719, OMIM 606764, HP:0100723.

Allele frequency attached by ClinVar (database versions not stated): TOPMed below 0.00001; gnomAD 0.00001; gnomAD exomes 0.00001.
gnomAD v4.1: 19 of 1,614,056 alleles (0.0012%); highest among the groups gnomAD compares: Non-Finnish European, 0.0014%; no homozygotes.

Submissions (3):

Color Diagnostics, LLC DBA Color Health
Classification: Uncertain significance for Hereditary pheochromocytoma and paraganglioma. Last evaluated: 2025-06-17. Review status: criteria provided, single submitter. Criteria: ACMG Guidelines, 2015. Collection method: clinical testing. Allele origin: germline.
Comment: This missense variant replaces lysine with glutamic acid at codon 126 of the SDHB protein. Computational prediction suggests that this variant may have deleterious impact on protein structure and function. To our knowledge, functional studies have not been reported for this variant. This variant has not been reported in individuals affected with SDHB-related disorders in the literature. This variant has not been identified in the general population by the Genome Aggregation Database (gnomAD). The available evidence is insufficient to determine the role of this variant in disease conclusively. Therefore, this variant is classified as a Variant of Uncertain Significance.

Labcorp Genetics (formerly Invitae), Labcorp
Classification: Uncertain significance for Gastrointestinal stromal tumor; Pheochromocytoma/paraganglioma syndrome 4; Pheochromocytoma. Last evaluated: 2024-10-21. Review status: criteria provided, single submitter. Criteria: Invitae Variant Classification Sherloc (09022015). Collection method: clinical testing. Allele origin: germline.
Comment: This sequence change replaces lysine, which is basic and polar, with glutamic acid, which is acidic and polar, at codon 126 of the SDHB protein (p.Lys126Glu). This variant is not present in population databases (gnomAD no frequency). This variant has not been reported in the literature in individuals affected with SDHB-related conditions. ClinVar contains an entry for this variant (Variation ID: 574109). Invitae Evidence Modeling of protein sequence and biophysical properties (such as structural, functional, and spatial information, amino acid conservation, physicochemical variation, residue mobility, and thermodynamic stability) indicates that this missense variant is not expected to disrupt SDHB protein function with a negative predictive value of 80%. In summary, the available evidence is currently insufficient to determine the role of this variant in disease. Therefore, it has been classified as a Variant of Uncertain Significance.

Ambry Genetics
Classification: Uncertain significance for Hereditary cancer-predisposing syndrome. Last evaluated: 2024-02-29. Review status: criteria provided, single submitter. Criteria: Ambry Variant Classification Scheme 2023. Collection method: clinical testing. Allele origin: germline.
Comment: The p.K126E variant (also known as c.376A>G), located in coding exon 4 of the SDHB gene, results from an A to G substitution at nucleotide position 376. The lysine at codon 126 is replaced by glutamic acid, an amino acid with similar properties. This amino acid position is highly conserved in available vertebrate species. In addition, this alteration is predicted to be deleterious by in silico analysis. Since supporting evidence is limited at this time, the clinical significance of this alteration remains unclear.

NM_003000.3(SDHB):c.376A>G (p.Lys126Glu)

Gene: SDHB (succinate dehydrogenase complex iron sulfur subunit B; minus strand). Cytogenetic location: 1p36.13.
Variant type: single nucleotide variant.
Coding change: c.376A>G on transcript NM_003000.3 (MANE Select); coding-DNA position 376, A replaced by G.
Protein change: p.Lys126Glu; replaces lysine 126 with glutamic acid.
Molecular consequence: missense variant.
Genome position (GRCh38, 1-based): chr1:17,028,647, T>C on the plus strand (A>G on the coding strand, the complement: SDHB is on the minus strand). VCF-style: chr1-17028647-T-C. GRCh37 (hg19) VCF-style: chr1-17355142-T-C.
Other names: short protein forms K126E.
Identifiers: ClinVar variation 574109 (VCV000574109.13), dbSNP rs202095022, ClinGen allele CA18666643.